The following is an entry in ClinVar:

ClinVar aggregate classification (germline): Uncertain significance. Review status: criteria provided, multiple submitters, no conflicts (2 of 4 stars). 2 submissions from 2 submitters: Uncertain significance (2). Last evaluated 2023-05-17.

Conditions:
Inborn genetic diseases. Identifiers: MedGen C0950123, MeSH D030342.

Allele frequency attached by ClinVar (database versions not stated): TOPMed below 0.00001; gnomAD exomes 0.00001; ExAC 0.00002.
gnomAD v4.1: 3 of 1,587,358 alleles (0.00019%); highest among the groups gnomAD compares: East Asian, 0.0068%; no homozygotes.

Submissions (2):

Ambry Genetics
Classification: Uncertain significance for Inborn genetic diseases. Last evaluated: 2023-05-17. Review status: criteria provided, single submitter. Criteria: Ambry Variant Classification Scheme 2023. Collection method: clinical testing. Allele origin: germline.

Mayo Clinic Laboratories, Mayo Clinic
Classification: Uncertain significance. Last evaluated: 2023-05-10. Review status: criteria provided, single submitter. Criteria: ACMG Guidelines, 2015. Collection method: clinical testing. Allele origin: germline. Observed: 1 variant allele.
Comment: BP4

NM_139027.6(ADAMTS13):c.1366C>G (p.Gln456Glu)

Gene: ADAMTS13 (ADAM metallopeptidase with thrombospondin type 1 motif 13; plus strand). Cytogenetic location: 9q34.2.
Variant type: single nucleotide variant.
Coding change: c.1366C>G on transcript NM_139027.6 (MANE Select); coding-DNA position 1366, C replaced by G.
Protein change: p.Gln456Glu; replaces glutamine 456 with glutamic acid.
Molecular consequence: missense variant.
Genome position (GRCh38, 1-based): chr9:133,436,886, C>G. VCF-style: chr9-133436886-C-G. GRCh37 (hg19) VCF-style: chr9-136302006-C-G.
Other names: p.Gln456Glu; c.1366C>G, p.Gln456Glu (NM_139025.5); c.1273C>G, p.Gln425Glu (NM_139026.6); short protein forms Q456E, Q425E.
Identifiers: ClinVar variation 2548082 (VCV002548082.3), dbSNP rs781977102, ClinGen allele CA200929654.